The following is an entry in ClinVar:

ClinVar aggregate classification (germline): Uncertain significance (1 of 4 stars; one submission).

Conditions:
Cardiovascular phenotype. Identifiers: MedGen CN230736.
Hereditary cancer-predisposing syndrome. Also called: Tumor predisposition; Hereditary neoplastic syndrome; Neoplastic Syndromes, Hereditary; Hereditary Cancer Syndrome. Identifiers: Orphanet 140162, MedGen C0027672, MeSH D009386, MONDO:0015356.

Submission:

Ambry Genetics
Classification: Uncertain significance for Cardiovascular phenotype; Hereditary cancer-predisposing syndrome. Last evaluated: 2025-04-14. Review status: criteria provided, single submitter. Criteria: Ambry Variant Classification Scheme 2023. Collection method: clinical testing. Allele origin: germline.
Comment: The p.K782Q variant (also known as c.2344A>C), located in coding exon 20 of the LZTR1 gene, results from an A to C substitution at nucleotide position 2344. The lysine at codon 782 is replaced by glutamine, an amino acid with similar properties. This amino acid position is conserved. In addition, the in silico prediction for this alteration is inconclusive. Based on the available evidence, the clinical significance of this variant remains unclear.

NM_006767.4(LZTR1):c.2344A>C (p.Lys782Gln)

Gene: LZTR1 (leucine zipper like post translational regulator 1; plus strand). Cytogenetic location: 22q11.21.
Variant type: single nucleotide variant.
Coding change: c.2344A>C on transcript NM_006767.4 (MANE Select); coding-DNA position 2344, A replaced by C.
Protein change: p.Lys782Gln; replaces lysine 782 with glutamine.
Molecular consequence: missense variant.
Genome position (GRCh38, 1-based): chr22:20,996,904, A>C. VCF-style: chr22-20996904-A-C. GRCh37 (hg19) VCF-style: chr22-21351193-A-C.
Other names: short protein forms K782Q.
Identifiers: ClinVar variation 3991618 (VCV003991618.1).